The following is an entry in ClinVar:

ClinVar aggregate classification (germline): Uncertain significance (1 of 4 stars; one submission).

Allele frequency attached by ClinVar (database versions not stated): gnomAD exomes below 0.00001; TOPMed below 0.00001; ExAC 0.00001; gnomAD 0.00001.

Submission:

GeneDx
Classification: Uncertain significance. Last evaluated: 2021-03-10. Review status: criteria provided, single submitter. Criteria: GeneDx Variant Classification Process June 2021. Collection method: clinical testing. Allele origin: germline. Affected: yes.
Comment: In silico analysis supports that this variant does not alter splicing; Has not been previously published as pathogenic or benign to our knowledge

NM_005378.6(MYCN):c.756C>G (p.Leu252=)

Gene: MYCN (MYCN proto-oncogene, bHLH transcription factor; plus strand). Cytogenetic location: 2p24.3.
Variant type: single nucleotide variant.
Coding change: c.756C>G on transcript NM_005378.6 (MANE Select); coding-DNA position 756, C replaced by G.
Protein change: p.Leu252=; no amino-acid change (leucine 252 retained).
Molecular consequence: synonymous variant. On other transcripts: 3 prime UTR variant (1), intron variant (1).
Genome position (GRCh38, 1-based): chr2:15,942,820, C>G. VCF-style: chr2-15942820-C-G. GRCh37 (hg19) VCF-style: chr2-16082942-C-G.
Other names: c.756C>G, p.Leu252= (NM_001293228.2); c.*691C>G (NM_001293233.2); c.157+2077C>G (NM_001293231.2).
Identifiers: ClinVar variation 1304464 (VCV001304464.2), dbSNP rs751231470, ClinGen allele CA1538227.